The following is an entry in ClinVar:

ClinVar aggregate classification (germline): Uncertain significance (1 of 4 stars; one submission).

Conditions:
Charcot-Marie-Tooth disease type 4. Also called: Charcot-Marie-Tooth disease, type IV; Charcot-Marie-Tooth, Type 4. Identifiers: Orphanet 64749, MedGen C4082197, MONDO:0018995.

Allele frequency attached by ClinVar (database versions not stated): gnomAD 0.00001; TOPMed 0.00001.
gnomAD v4.1: 24 of 1,613,806 alleles (0.0015%); highest among the groups gnomAD compares: Non-Finnish European, 0.0019%; no homozygotes.

Submission:

Labcorp Genetics (formerly Invitae), Labcorp
Classification: Uncertain significance for Charcot-Marie-Tooth disease type 4. Last evaluated: 2022-04-08. Review status: criteria provided, single submitter. Criteria: Invitae Variant Classification Sherloc (09022015). Collection method: clinical testing. Allele origin: germline.
Comment: In summary, the available evidence is currently insufficient to determine the role of this variant in disease. Therefore, it has been classified as a Variant of Uncertain Significance. Advanced modeling of protein sequence and biophysical properties (such as structural, functional, and spatial information, amino acid conservation, physicochemical variation, residue mobility, and thermodynamic stability) performed at Invitae indicates that this missense variant is expected to disrupt MTMR2 protein function. This variant has not been reported in the literature in individuals affected with MTMR2-related conditions. This variant is present in population databases (no rsID available, gnomAD 0.002%). This sequence change replaces serine, which is neutral and polar, with leucine, which is neutral and non-polar, at codon 271 of the MTMR2 protein (p.Ser271Leu).

NM_016156.6(MTMR2):c.812C>T (p.Ser271Leu)

Gene: MTMR2 (myotubularin related protein 2; minus strand). Cytogenetic location: 11q21.
Variant type: single nucleotide variant.
Coding change: c.812C>T on transcript NM_016156.6 (MANE Select); coding-DNA position 812, C replaced by T.
Protein change: p.Ser271Leu; replaces serine 271 with leucine.
Molecular consequence: missense variant.
Genome position (GRCh38, 1-based): chr11:95,849,855, G>A on the plus strand (C>T on the coding strand, the complement: MTMR2 is on the minus strand). VCF-style: chr11-95849855-G-A. GRCh37 (hg19) VCF-style: chr11-95583019-G-A.
Other names: c.596C>T, p.Ser199Leu (NM_001243571.2, NM_201278.3, NM_201281.3); short protein forms S199L, S271L.
Identifiers: ClinVar variation 2159407 (VCV002159407.3), dbSNP rs1425586980, ClinGen allele CA382425642.
Genomic context (GRCh38, chr11:95,849,855, plus strand): 5'-ACTCCAACCATGGGCTGGCTACACCGAGTGATTGTGGCTTGACTTTCAGGATGAATCCAT[G>A]ATAAAACCTTAATGAGGAAAAAATGGTAACACACCTTTTACATACTTCTCTGTTTATAAT-3'
Protein context (NP_057240.3, residues 261-281): FRSRGRIPVL[Ser271Leu]WIHPESQATI